The following is an entry in ClinVar:

NM_024675.4(PALB2):c.844_847del (p.Arg282fs)

Gene: PALB2 (partner and localizer of BRCA2; minus strand). Cytogenetic location: 16p12.2.
Variant type: Deletion.
Coding change: c.844_847del on transcript NM_024675.4 (MANE Select); coding-DNA positions 844 to 847, 4 bases deleted (AGAT; older notation c.844_847delAGAT).
Protein change: p.Arg282fs; shifts the reading frame from arginine 282.
Molecular consequence: frameshift variant.
Genome position (GRCh38, 1-based): chr16:23,635,699-23,635,702, ATCT deleted on the plus strand (AGAT on the coding strand, the reverse complement: PALB2 is on the minus strand); deleting any 4 consecutive bases within chr16:23,635,699-23,635,703 gives the same sequence; the c. name uses the placement nearest the transcript's 3' end. VCF-style (leftmost placement, unchanged base first): chr16-23635698-AATCT-A. GRCh37 (hg19) VCF-style: chr16-23647019-AATCT-A.
Other names: c.844_847delAGAT (NM_024675.3, NM_024675.4); short protein forms R282fs.
Identifiers: ClinVar variation 482007 (VCV000482007.19), dbSNP rs1555461586, ClinGen allele CA658658438.

ClinVar aggregate classification (germline): Pathogenic. Review status: criteria provided, multiple submitters, no conflicts (2 of 4 stars). 6 submissions from 6 submitters: Pathogenic (6). Last evaluated 2024-10-23.

Conditions:
Hereditary cancer-predisposing syndrome. Also called: Neoplastic Syndromes, Hereditary; Tumor predisposition; Hereditary Cancer Syndrome; Hereditary neoplastic syndrome. Identifiers: Orphanet 140162, MedGen C0027672, MeSH D009386, MONDO:0015356.
Familial cancer of breast. Also called: BREAST CANCER, FAMILIAL; Hereditary breast cancer; hereditary breast carcinoma. Identifiers: Orphanet 227535, MedGen C0346153, MONDO:0016419, OMIM 114480. Disease mechanism: loss of function.
Malignant tumor of breast. Also called: Malignant breast neoplasm; Cancer breast. Identifiers: MedGen C0006142, MONDO:0007254. Disease mechanism: loss of function.

Submissions (6):

Labcorp Genetics (formerly Invitae), Labcorp
Classification: Pathogenic for Familial cancer of breast. Last evaluated: 2024-10-23. Review status: criteria provided, single submitter. Criteria: Invitae Variant Classification Sherloc (09022015). Collection method: clinical testing. Allele origin: germline.
Comment: This sequence change creates a premature translational stop signal (p.Arg282Leufs*5) in the PALB2 gene. It is expected to result in an absent or disrupted protein product. Loss-of-function variants in PALB2 are known to be pathogenic (PMID: 17200668, 17200671, 17200672, 24136930, 25099575). This variant is not present in population databases (gnomAD no frequency). This variant has not been reported in the literature in individuals affected with PALB2-related conditions. ClinVar contains an entry for this variant (Variation ID: 482007). For these reasons, this variant has been classified as Pathogenic.

Women's Health and Genetics/Laboratory Corporation of America, LabCorp
Classification: Pathogenic for Malignant tumor of breast. Last evaluated: 2024-06-07. Review status: criteria provided, single submitter. Criteria: LabCorp Variant Classification Summary - May 2015. Collection method: clinical testing. Allele origin: germline.
Comment: Variant summary: PALB2 c.844_847delAGAT (p.Arg282LeufsX5) results in a premature termination codon, predicted to cause a truncation of the encoded protein or absence of the protein due to nonsense mediated decay, which are commonly known mechanisms for disease. The variant was absent in 251410 control chromosomes. c.844_847delAGAT has been reported in the literature in at least one individual affected with Breast Cancer (e.g., Palmer_2020). To our knowledge, no experimental evidence demonstrating an impact on protein function has been reported. The following publication has been ascertained in the context of this evaluation (PMID: 32427313). ClinVar contains an entry for this variant (Variation ID: 482007). Based on the evidence outlined above, the variant was classified as pathogenic.

Myriad Genetics, Inc.
Classification: Pathogenic for Familial cancer of breast. Last evaluated: 2023-09-07. Review status: criteria provided, single submitter. Criteria: Myriad Autosomal Dominant, Autosomal Recessive and X-Linked Classification Criteria (2023). Collection method: clinical testing. Allele origin: unknown.
Comment: This variant is considered pathogenic. This variant creates a frameshift predicted to result in premature protein truncation.

Ambry Genetics
Classification: Pathogenic for Hereditary cancer-predisposing syndrome. Last evaluated: 2022-08-08. Review status: criteria provided, single submitter. Criteria: Ambry Variant Classification Scheme 2023. Collection method: clinical testing. Allele origin: germline.
Comment: The c.844_847delAGAT pathogenic mutation, located in coding exon 4 of the PALB2 gene, results from a deletion of 4 nucleotides at nucleotide positions 844 to 847, causing a translational frameshift with a predicted alternate stop codon (p.R282Lfs*5). This variant is considered to be rare based on population cohorts in the Genome Aggregation Database (gnomAD). This alteration is expected to result in loss of function by premature protein truncation or nonsense-mediated mRNA decay. As such, this alteration is interpreted as a disease-causing mutation.

Color Diagnostics, LLC DBA Color Health
Classification: Pathogenic for Hereditary cancer-predisposing syndrome. Last evaluated: 2022-04-05. Review status: criteria provided, single submitter. Criteria: ACMG Guidelines, 2015. Collection method: clinical testing. Allele origin: germline.
Comment: This variant deletes 4 nucleotides in exon 4 of the PALB2 gene, creating a frameshift and premature translation stop signal. This variant is expected to result in an absent or non-functional protein product. To our knowledge, this variant has not been reported in individuals affected with hereditary cancer in the literature. This variant has not been identified in the general population by the Genome Aggregation Database (gnomAD). Loss of PALB2 function is a known mechanism of disease. Based on the available evidence, this variant is classified as Pathogenic.

GeneDx
Classification: Pathogenic. Last evaluated: 2018-06-28. Review status: criteria provided, single submitter. Criteria: GeneDx Variant Classification (06012015). Collection method: clinical testing. Allele origin: germline. Affected: yes.
Comment: This deletion of four nucleotides in PALB2 is denoted c.844_847delAGAT at the cDNA level and p.Arg282LeufsX5 (R282LfsX5) at the protein level. The normal sequence, with the bases that are deleted in brackets, is CATT[delAGAT]TTAC. The deletion causes a frameshift which changes an Arginine to a Leucine at codon 282, and creates a premature stop codon at position 5 of the new reading frame. Although this variant has not, to our knowledge, been reported in the literature as a germline variant, it is predicted to cause loss of normal protein function through either protein truncation or nonsense-mediated mRNA decay. We consider this variant to be pathogenic.

Literature cited by the submitters: PubMed 17200668 (cited by Labcorp Genetics (formerly Invitae), Labcorp); PubMed 17200671 (cited by Labcorp Genetics (formerly Invitae), Labcorp); PubMed 17200672 (cited by Labcorp Genetics (formerly Invitae), Labcorp); PubMed 24136930 (cited by Labcorp Genetics (formerly Invitae), Labcorp); PubMed 25099575 (cited by Labcorp Genetics (formerly Invitae), Labcorp); PubMed 32427313 (cited by Women's Health and Genetics/Laboratory Corporation of America, LabCorp).